The following is an entry in ClinVar:

NM_020461.4(TUBGCP6):c.2423C>G (p.Ala808Gly)

Gene: TUBGCP6 (tubulin gamma complex component 6; minus strand). Cytogenetic location: 22q13.33.
Variant type: single nucleotide variant.
Coding change: c.2423C>G on transcript NM_020461.4 (MANE Select); coding-DNA position 2423, C replaced by G.
Protein change: p.Ala808Gly; replaces alanine 808 with glycine.
Molecular consequence: missense variant.
Genome position (GRCh38, 1-based): chr22:50,222,089, G>C on the plus strand (C>G on the coding strand, the complement: TUBGCP6 is on the minus strand). VCF-style: chr22-50222089-G-C. GRCh37 (hg19) VCF-style: chr22-50660518-G-C.
Other names: short protein forms A808G.
Identifiers: ClinVar variation 2003025 (VCV002003025.4), dbSNP rs2519140396, ClinGen allele CA412098862.

ClinVar aggregate classification (germline): Uncertain significance (1 of 4 stars; one submission).

Submission:

Labcorp Genetics (formerly Invitae), Labcorp
Classification: Uncertain significance. Last evaluated: 2022-06-07. Review status: criteria provided, single submitter. Criteria: Invitae Variant Classification Sherloc (09022015). Collection method: clinical testing. Allele origin: germline.
Comment: In summary, the available evidence is currently insufficient to determine the role of this variant in disease. Therefore, it has been classified as a Variant of Uncertain Significance. This variant has not been reported in the literature in individuals affected with TUBGCP6-related conditions. Algorithms developed to predict the effect of missense changes on protein structure and function (SIFT, PolyPhen-2, Align-GVGD) all suggest that this variant is likely to be tolerated. This sequence change replaces alanine, which is neutral and non-polar, with glycine, which is neutral and non-polar, at codon 808 of the TUBGCP6 protein (p.Ala808Gly). This variant is not present in population databases (gnomAD no frequency).